The following is an entry in ClinVar:

NM_024675.4(PALB2):c.2046A>G (p.Ser682=)

Gene: PALB2 (partner and localizer of BRCA2; minus strand). Cytogenetic location: 16p12.2.
Variant type: single nucleotide variant.
Coding change: c.2046A>G on transcript NM_024675.4 (MANE Select); coding-DNA position 2046, A replaced by G.
Protein change: p.Ser682=; no amino-acid change (serine 682 retained).
Molecular consequence: synonymous variant.
Genome position (GRCh38, 1-based): chr16:23,630,108, T>C on the plus strand (A>G on the coding strand, the complement: PALB2 is on the minus strand). VCF-style: chr16-23630108-T-C. GRCh37 (hg19) VCF-style: chr16-23641429-T-C.
Identifiers: ClinVar variation 759431 (VCV000759431.13), dbSNP rs1442566697, ClinGen allele CA494461042.
Genomic context (GRCh38, chr16:23,630,108, plus strand): 5'-TATGGATGAAGAAAGGCCCGTCTTTGTATGCTGGCTTTGCGAGTTTGGCCTTTTGGGATG[T>C]GATTTTCCTGGTAGAACAATAAGGTCCTCTTCTAAGTCCTCCATTTCTGTATCCATGCGT-3'
Protein context (NP_078951.2, residues 672-692): EEDLIVLPGK[Ser682=]HPKRPNSQSQ

ClinVar aggregate classification (germline): Benign/Likely benign. Review status: criteria provided, multiple submitters, no conflicts (2 of 4 stars). 3 submissions from 3 submitters: Benign (1); Likely benign (2). Last evaluated 2026-01-02.

Conditions:
Hereditary cancer-predisposing syndrome. Also called: Tumor predisposition; Neoplastic Syndromes, Hereditary; Hereditary Cancer Syndrome; Hereditary neoplastic syndrome. Identifiers: Orphanet 140162, MedGen C0027672, MeSH D009386, MONDO:0015356.
Familial cancer of breast. Also called: Hereditary breast cancer; BREAST CANCER, FAMILIAL; hereditary breast carcinoma. Identifiers: Orphanet 227535, MedGen C0346153, MONDO:0016419, OMIM 114480. Disease mechanism: loss of function.

Allele frequency attached by ClinVar (database versions not stated): gnomAD exomes below 0.00001.
gnomAD v4.1: 1 of 1,614,180 alleles (0.000062%); highest among the groups gnomAD compares: Admixed American, 0.0017%; no homozygotes.

Submissions (3):

Labcorp Genetics (formerly Invitae), Labcorp
Classification: Likely benign for Familial cancer of breast. Last evaluated: 2026-01-02. Review status: criteria provided, single submitter. Criteria: Invitae Variant Classification Sherloc (09022015). Collection method: clinical testing. Allele origin: germline.

Myriad Genetics, Inc.
Classification: Benign for Familial cancer of breast. Last evaluated: 2025-01-15. Review status: criteria provided, single submitter. Criteria: Myriad Autosomal Dominant, Autosomal Recessive and X-Linked Classification Criteria (2023). Collection method: clinical testing. Allele origin: unknown.
Comment: This variant is considered benign. This variant is a silent/synonymous amino acid change and it is not expected to impact splicing.

Ambry Genetics
Classification: Likely benign for Hereditary cancer-predisposing syndrome. Last evaluated: 2020-07-16. Review status: criteria provided, single submitter. Criteria: Ambry Variant Classification Scheme 2023. Collection method: clinical testing. Allele origin: germline.